The following is an entry in ClinVar:

NM_004006.3(DMD):c.2960G>A (p.Ser987Asn)

Gene: DMD (dystrophin; minus strand). Cytogenetic location: Xp21.1.
Variant type: single nucleotide variant.
Coding change: c.2960G>A on transcript NM_004006.3 (MANE Select); coding-DNA position 2960, G replaced by A.
Protein change: p.Ser987Asn; replaces serine 987 with asparagine.
Molecular consequence: missense variant.
Genome position (GRCh38, 1-based): chrX:32,468,700, C>T on the plus strand (G>A on the coding strand, the complement: DMD is on the minus strand). VCF-style: chrX-32468700-C-T. GRCh37 (hg19) VCF-style: chrX-32486817-C-T.
Other names: c.2936G>A, p.Ser979Asn (NM_000109.4); c.2948G>A, p.Ser983Asn (NM_004009.3); c.2591G>A, p.Ser864Asn (NM_004010.3); short protein forms S979N, S864N, S987N, S983N.
Identifiers: ClinVar variation 847702 (VCV000847702.8), dbSNP rs1184694731, ClinGen allele CA412667176.

ClinVar aggregate classification (germline): Uncertain significance. Review status: criteria provided, single submitter (1 of 4 stars). 2 submissions from 2 submitters: Uncertain significance (1). 1 of the submissions does not count toward it. Last evaluated 2021-08-28.

Conditions:
Duchenne muscular dystrophy (DMD). Also called: Duchenne Muscular Dystrophy (DMD); MUSCULAR DYSTROPHY, PSEUDOHYPERTROPHIC PROGRESSIVE, DUCHENNE TYPE. Identifiers: Orphanet 98896, MedGen C0013264, MONDO:0010679, OMIM 310200.
Dystrophin deficiency.
Becker muscular dystrophy (BMD). Also called: MUSCULAR DYSTROPHY, PSEUDOHYPERTROPHIC PROGRESSIVE, BECKER TYPE; Becker Muscular Dystrophy (BMD). Identifiers: Orphanet 98895, MedGen C0917713, MONDO:0010311, OMIM 300376.
Cardiomyopathy (CMYO). Also called: Cardiomyopathies. Identifiers: Orphanet 167848, MedGen C0878544, MONDO:0004994, HP:0001638. Inheritance: Various modes of inheritance.

Allele frequency attached by ClinVar (database versions not stated): gnomAD exomes below 0.00001.
gnomAD v4.1: 1 of 1,208,885 alleles (0.000083%); highest among the groups gnomAD compares: Non-Finnish European, 0.00011%; no homozygotes.

Submissions (2):

Labcorp Genetics (formerly Invitae), Labcorp
Classification: Uncertain significance for Duchenne muscular dystrophy. Last evaluated: 2021-08-28. Review status: criteria provided, single submitter. Criteria: Invitae Variant Classification Sherloc (09022015). Collection method: clinical testing. Allele origin: germline.
Comment: This sequence change replaces serine with asparagine at codon 987 of the DMD protein (p.Ser987Asn). The serine residue is highly conserved and there is a small physicochemical difference between serine and asparagine. This variant is not present in population databases (ExAC no frequency). This variant has not been reported in the literature in individuals affected with DMD-related conditions. Algorithms developed to predict the effect of missense changes on protein structure and function output the following: SIFT: "Deleterious"; PolyPhen-2: "Benign"; Align-GVGD: "Class C0". The asparagine amino acid residue is found in multiple mammalian species, which suggests that this missense change does not adversely affect protein function. In summary, the available evidence is currently insufficient to determine the role of this variant in disease. Therefore, it has been classified as a Variant of Uncertain Significance.

Natera, Inc.
Classification: Uncertain significance for Becker muscular dystrophy; Cardiomyopathy; Duchenne muscular dystrophy; Dystrophin deficiency. Last evaluated: 2020-12-16. Review status: no assertion criteria provided. Collection method: clinical testing. Allele origin: germline. Not counted in ClinVar's aggregate classification.